The following is an entry in ClinVar:

ClinVar aggregate classification (germline): Conflicting classifications of pathogenicity. Review status: criteria provided, conflicting classifications (1 of 4 stars). 4 submissions from 4 submitters: Uncertain significance (3); Likely benign (1). Last evaluated 2026-07-13.

Conditions:
Germ cell tumor of testis (TGCT). Also called: GERM CELL TUMOR, SOMATIC; Testicular germ cell tumor. Identifiers: Orphanet 363504, MedGen C1336708, MONDO:0010108, OMIM 273300.
Gastrointestinal stromal tumor. Also called: Gastrointestinal stromal tumor, somatic; Gastrointestinal stroma tumor. Identifiers: Orphanet 44890, MedGen C0238198, MeSH D046152, MONDO:0011719, OMIM 606764, HP:0100723.
Acute myeloid leukemia (AML). Also called: Acute myeloid leukemia, adult; AML adult; Acute non-lymphocytic leukemia; Acute granulocytic leukemia; Leukemia, acute myelogenous, somatic; Leukemia, acute myeloid, somatic. Identifiers: Orphanet 519, MedGen C0023467, MeSH D015470, MONDO:0018874, OMIM 601626, HP:0004808. Disease mechanism: Constitutively activated FLT3.
Piebaldism. Also called: Piebald skin depigmentation. Identifiers: Orphanet 2884, MedGen C0080024, MONDO:0008244, OMIM 172800, HP:0007544.
Cutaneous mastocytosis. Also called: MASTOCYTOSIS, MACULOPAPULAR CUTANEOUS. Identifiers: Orphanet 66646, MedGen C1136033, MONDO:0019023, OMIM 154800, HP:0200151.
KIT-related disorder. Also called: KIT-related condition.
Hereditary cancer-predisposing syndrome. Also called: Neoplastic Syndromes, Hereditary; Hereditary neoplastic syndrome; Tumor predisposition; Hereditary Cancer Syndrome. Identifiers: Orphanet 140162, MedGen C0027672, MeSH D009386, MONDO:0015356.

Allele frequency attached by ClinVar (database versions not stated): TOPMed 0.00003.
gnomAD v4.1: 4 of 1,612,950 alleles (0.00025%); highest among the groups gnomAD compares: East Asian, 0.0067%; no homozygotes.

Submissions (4):

PreventionGenetics, part of Exact Sciences
Classification: Uncertain significance for KIT-related condition. Last evaluated: 2026-07-13. Review status: criteria provided, single submitter. Criteria: ACMG Guidelines, 2015. Collection method: clinical testing. Allele origin: germline.
Comment: The KIT c.2138C>T variant is predicted to result in the amino acid substitution p.Ser713Phe. To our knowledge, this variant has not been reported in the literature. This variant is reported in 0.027% of alleles in individuals of East Asian descent in gnomAD. At this time, the clinical significance of this variant is uncertain due to the absence of conclusive functional and genetic evidence.

Labcorp Genetics (formerly Invitae), Labcorp
Classification: Uncertain significance for Gastrointestinal stromal tumor. Last evaluated: 2026-01-26. Review status: criteria provided, single submitter. Criteria: Invitae Variant Classification Sherloc (09022015). Collection method: clinical testing. Allele origin: germline.
Comment: This sequence change replaces serine, which is neutral and polar, with phenylalanine, which is neutral and non-polar, at codon 713 of the KIT protein (p.Ser713Phe). This variant is present in population databases (rs775274159, gnomAD 0.03%). This variant has not been reported in the literature in individuals affected with KIT-related conditions. ClinVar contains an entry for this variant (Variation ID: 947788). An algorithm developed to predict the effect of missense changes on protein structure and function (PolyPhen-2) suggests that this variant is likely to be tolerated. In summary, the available evidence is currently insufficient to determine the role of this variant in disease. Therefore, it has been classified as a Variant of Uncertain Significance.

Fulgent Genetics
Classification: Uncertain significance for Cutaneous mastocytosis; Piebaldism; Germ cell tumor of testis; Acute myeloid leukemia; Gastrointestinal stromal tumor. Last evaluated: 2024-02-23. Review status: criteria provided, single submitter. Criteria: ACMG Guidelines, 2015. Collection method: clinical testing. Allele origin: germline.

Ambry Genetics
Classification: Likely benign for Hereditary cancer-predisposing syndrome. Last evaluated: 2021-08-24. Review status: criteria provided, single submitter. Criteria: Ambry Variant Classification Scheme 2023. Collection method: clinical testing. Allele origin: germline.

NM_000222.3(KIT):c.2138C>T (p.Ser713Phe)

Gene: KIT (KIT proto-oncogene, receptor tyrosine kinase; plus strand). Cytogenetic location: 4q12.
Variant type: single nucleotide variant.
Coding change: c.2138C>T on transcript NM_000222.3 (MANE Select); coding-DNA position 2138, C replaced by T.
Protein change: p.Ser713Phe; replaces serine 713 with phenylalanine.
Molecular consequence: missense variant.
Genome position (GRCh38, 1-based): chr4:54,729,482, C>T. VCF-style: chr4-54729482-C-T. GRCh37 (hg19) VCF-style: chr4-55595648-C-T.
Other names: c.2126C>T, p.Ser709Phe (NM_001093772.2, NM_001385286.1); c.2141C>T, p.Ser714Phe (NM_001385284.1, NM_001385290.1); c.2138C>T, p.Ser713Phe (NM_001385285.1); c.2129C>T, p.Ser710Phe (NM_001385288.1, NM_001385292.1); short protein forms S709F, S713F, S710F, S714F.
Identifiers: ClinVar variation 947788 (VCV000947788.14), dbSNP rs775274159, ClinGen allele CA2923654.
Genomic context (GRCh38, chr4:54,729,482, plus strand): 5'-AGCAGGAAGATCATGCAGAAGCTGCACTTTATAAGAATCTTCTGCATTCAAAGGAGTCTT[C>T]CTGGTAAGACTGATTTACATAAATAGTTAGCTGTTGACAGGCAGTTCATGGGGTCATAAG-3'
Protein context (NP_000213.1, residues 703-723): YKNLLHSKES[Ser713Phe]CSDSTNEYMD